The following is an entry in ClinVar:

ClinVar aggregate classification (germline): Uncertain significance (1 of 4 stars; one submission).

Conditions:
Combined immunodeficiency with skin granulomas. Identifiers: Orphanet 157949, MedGen C2673536, MONDO:0009306, OMIM 233650.
Severe combined immunodeficiency, autosomal recessive, T cell-negative, B cell-negative, NK cell-positive. Also called: Severe combined immunodeficiency due to complete RAG1/2 deficiency; SCID, T CELL-NEGATIVE, B CELL-NEGATIVE, NK CELL-POSITIVE; SCID, AR, T-cell negative, B-cell negative, NK cell-positive. Identifiers: Orphanet 331206, MedGen C1832322, MONDO:0011086, OMIM 601457.

Allele frequency attached by ClinVar (database versions not stated): gnomAD exomes below 0.00001.
gnomAD v4.1: 2 of 1,614,148 alleles (0.00012%); highest among the groups gnomAD compares: Non-Finnish European, 0.00017%; no homozygotes.

Submission:

Labcorp Genetics (formerly Invitae), Labcorp
Classification: Uncertain significance for Combined immunodeficiency with skin granulomas; Severe combined immunodeficiency, autosomal recessive, T cell-negative, B cell-negative, NK cell-positive. Last evaluated: 2020-08-20. Review status: criteria provided, single submitter. Criteria: Invitae Variant Classification Sherloc (09022015). Collection method: clinical testing. Allele origin: germline.
Comment: In summary, the available evidence is currently insufficient to determine the role of this variant in disease. Therefore, it has been classified as a Variant of Uncertain Significance. Algorithms developed to predict the effect of missense changes on protein structure and function are either unavailable or do not agree on the potential impact of this missense change (SIFT: "Deleterious"; PolyPhen-2: "Benign"; Align-GVGD: "Class C0"). This variant has not been reported in the literature in individuals with RAG2-related conditions. This variant is not present in population databases (ExAC no frequency). This sequence change replaces alanine with valine at codon 136 of the RAG2 protein (p.Ala136Val). The alanine residue is moderately conserved and there is a small physicochemical difference between alanine and valine.

NM_000536.4(RAG2):c.407C>T (p.Ala136Val)

Gene: RAG2 (recombination activating 2; minus strand). Cytogenetic location: 11p12.
Variant type: single nucleotide variant.
Coding change: c.407C>T on transcript NM_000536.4 (MANE Select); coding-DNA position 407, C replaced by T.
Protein change: p.Ala136Val; replaces alanine 136 with valine.
Molecular consequence: missense variant.
Genome position (GRCh38, 1-based): chr11:36,593,762, G>A on the plus strand (C>T on the coding strand, the complement: RAG2 is on the minus strand). VCF-style: chr11-36593762-G-A. GRCh37 (hg19) VCF-style: chr11-36615312-G-A.
Other names: c.407C>T, p.Ala136Val (NM_001243785.2, NM_001243786.2); short protein forms A136V.
Identifiers: ClinVar variation 1046712 (VCV001046712.8), dbSNP rs1851091277, ClinGen allele CA380143213.